The following is an entry in ClinVar:

ClinVar aggregate classification (germline): Uncertain significance (1 of 4 stars; one submission).

Conditions:
Amyotrophic lateral sclerosis type 21. Also called: VOCAL CORD AND PHARYNGEAL DYSFUNCTION WITH DISTAL MYOPATHY; MYOPATHY, DISTAL, 2. Identifiers: Orphanet 600, Orphanet 803, MedGen C3807521, MONDO:0011632, OMIM 606070.

Submission:

Labcorp Genetics (formerly Invitae), Labcorp
Classification: Uncertain significance for Amyotrophic lateral sclerosis type 21. Last evaluated: 2021-10-18. Review status: criteria provided, single submitter. Criteria: Invitae Variant Classification Sherloc (09022015). Collection method: clinical testing. Allele origin: germline.
Comment: Algorithms developed to predict the effect of missense changes on protein structure and function (SIFT, PolyPhen-2, Align-GVGD) all suggest that this variant is likely to be tolerated. This variant has not been reported in the literature in individuals affected with MATR3-related conditions. This variant is not present in population databases (gnomAD no frequency). This sequence change replaces alanine, a(n) neutral and non-polar amino acid, with glycine, a(n) neutral and non-polar amino acid, at codon 730 of the MATR3 protein (p.Ala730Gly). In summary, the available evidence is currently insufficient to determine the role of this variant in disease. Therefore, it has been classified as a Variant of Uncertain Significance.

NM_018834.6(MATR3):c.2189C>G (p.Ala730Gly)

Gene: MATR3 (matrin 3; plus strand). Cytogenetic location: 5q31.2.
Variant type: single nucleotide variant.
Coding change: c.2189C>G on transcript NM_018834.6 (MANE Select); coding-DNA position 2189, C replaced by G.
Protein change: p.Ala730Gly; replaces alanine 730 with glycine.
Molecular consequence: missense variant.
Genome position (GRCh38, 1-based): chr5:139,325,480, C>G. VCF-style: chr5-139325480-C-G. GRCh37 (hg19) VCF-style: chr5-138661169-C-G.
Other names: c.2189C>G, p.Ala730Gly (NM_001194954.2, NM_001194955.2, NM_199189.3); c.1325C>G, p.Ala442Gly (NM_001194956.2); c.1175C>G, p.Ala392Gly (NM_001282278.2); short protein forms A442G, A392G, A730G.
Identifiers: ClinVar variation 1487944 (VCV001487944.6), dbSNP rs762668138, ClinGen allele CA361146110.
Genomic context (GRCh38, chr5:139,325,480, plus strand): 5'-ATGGTTTGGTTGAAATTAAGGTGGACAAGATCGAGGAACTTGATCAAGAAAACGAAGCAG[C>G]GTTGGAAAATGGAATTAAAAATGAGGAAAACACAGAACCAGGTGCTGAATCTTCTGAGAA-3'
Protein context (NP_061322.2, residues 720-740): IEELDQENEA[Ala730Gly]LENGIKNEEN